The following is an entry in ClinVar:

NM_001370259.2(MEN1):c.1351-6G>A

Gene: MEN1 (menin 1; minus strand). Cytogenetic location: 11q13.1.
Variant type: single nucleotide variant.
Coding change: c.1351-6G>A on transcript NM_001370259.2 (MANE Select); 6 bases into the intron before coding-DNA position 1351, G replaced by A.
Molecular consequence: intron variant.
Genome position (GRCh38, 1-based): chr11:64,804,822, C>T on the plus strand (G>A on the coding strand, the complement: MEN1 is on the minus strand). VCF-style: chr11-64804822-C-T. GRCh37 (hg19) VCF-style: chr11-64572294-C-T.
Other names: c.1366-6G>A (NM_130804.3, NM_130803.3, NM_000244.4 and 3 more transcripts); c.1351-6G>A (NM_130799.3, NM_001370260.2, NM_001370261.2); c.1477-6G>A (NM_001370251.2); c.1246-6G>A (NM_001370263.2, NM_001370262.2).
Identifiers: ClinVar variation 457289 (VCV000457289.11), dbSNP rs1555164004, ClinGen allele CA658656139.

ClinVar aggregate classification (germline): Likely benign. Review status: criteria provided, multiple submitters, no conflicts (2 of 4 stars). 2 submissions from 2 submitters: Likely benign (2). Last evaluated 2024-11-05.

Conditions:
Multiple endocrine neoplasia, type 1 (MEN1). Also called: MEN I; WERMER SYNDROME; Endocrine adenomatosis multiple; MEN 1; MEA I. Identifiers: Orphanet 652, MedGen C0025267, MeSH D018761, MONDO:0007540, OMIM 131100.

Allele frequency attached by ClinVar (database versions not stated): gnomAD exomes below 0.00001.

Submissions (2):

Myriad Genetics, Inc.
Classification: Likely benign for Multiple endocrine neoplasia, type 1. Last evaluated: 2024-11-05. Review status: criteria provided, single submitter. Criteria: Myriad Autosomal Dominant, Autosomal Recessive and X-Linked Classification Criteria (2023). Collection method: clinical testing. Allele origin: unknown.
Comment: This variant is considered likely benign. This variant is intronic and is not expected to impact mRNA splicing.

Labcorp Genetics (formerly Invitae), Labcorp
Classification: Likely benign for Multiple endocrine neoplasia, type 1. Last evaluated: 2023-03-06. Review status: criteria provided, single submitter. Criteria: Invitae Variant Classification Sherloc (09022015). Collection method: clinical testing. Allele origin: germline.